The following is an entry in ClinVar:

ClinVar aggregate classification (germline): Benign/Likely benign. Review status: criteria provided, multiple submitters, no conflicts (2 of 4 stars). 3 submissions from 3 submitters: Benign (2); Likely benign (1). Last evaluated 2026-02-01.

Conditions:
Myopathy, tubular aggregate, 2 (TAM2). Identifiers: MedGen C4014557, MONDO:0014383, OMIM 615883.
Combined immunodeficiency due to ORAI1 deficiency. Also called: IMMUNODEFICIENCY 9. Identifiers: Orphanet 169090, Orphanet 317428, MedGen C2748568, MONDO:0013007, OMIM 612782.

Allele frequency attached by ClinVar (database versions not stated): gnomAD 0.00081 and 0.00083; 1000 Genomes Project 0.00180; ESP Exome Variant Server 0.00046; 1000 Genomes Project 30x 0.00156; TOPMed 0.00097.

Submissions (3):

Labcorp Genetics (formerly Invitae), Labcorp
Classification: Benign for Myopathy, tubular aggregate, 2; Combined immunodeficiency due to ORAI1 deficiency. Last evaluated: 2026-02-01. Review status: criteria provided, single submitter. Criteria: Invitae Variant Classification Sherloc (09022015). Collection method: clinical testing. Allele origin: germline.

Women's Health and Genetics/Laboratory Corporation of America, LabCorp
Classification: Benign. Last evaluated: 2025-03-05. Review status: criteria provided, single submitter. Criteria: LabCorp Variant Classification Summary - May 2015. Collection method: clinical testing. Allele origin: germline.
Comment: Variant summary: ORAI1 c.310-5C>T, also referred to as c.304-5C>T, alters a non-conserved nucleotide located close to a canonical splice site and therefore could affect mRNA splicing, leading to a significantly altered protein sequence. Consensus agreement among computation tools predict no significant impact on normal splicing. However, these predictions have yet to be confirmed by functional studies. The variant allele was found at a frequency of 0.00018 in 240214 control chromosomes, predominantly at a frequency of 0.0025 within the African or African-American subpopulation in the gnomAD database. The observed variant frequency within African or African-American control individuals in the gnomAD database exceeds the estimated maximal expected allele frequency for a pathogenic variant in ORAI1 causing Myopathy, Tubular Aggregate, 2 phenotype. To our knowledge, no occurrence of c.310-5C>T in individuals affected with Myopathy, Tubular Aggregate, 2 and no experimental evidence demonstrating its impact on protein function have been reported. ClinVar contains an entry for this variant (Variation ID: 785763). Based on the evidence outlined above, the variant was classified as benign.

Blueprint Genetics
Classification: Likely benign. Last evaluated: 2024-09-02. Review status: criteria provided, single submitter. Criteria: ACMG Guidelines, 2015. Collection method: clinical testing. Allele origin: germline.

NC_000012.12:g.121641036C>T

Gene: ORAI1 (ORAI calcium release-activated calcium modulator 1; plus strand). Cytogenetic location: 12q24.31.
Variant type: single nucleotide variant.
Molecular consequence: intron variant (on NM_032790.3).
Genome position: GRCh38 VCF-style: chr12-121641036-C-T. GRCh37 (hg19) VCF-style: chr12-122078942-C-T.
Other names: c.304-5C>T (NM_032790.3).
Identifiers: ClinVar variation 785763 (VCV000785763.13), dbSNP rs111498037, ClinGen allele CA6837464.